The following is an entry in ClinVar:

NM_001080517.3(SETD5):c.188C>T (p.Pro63Leu)

Gene: SETD5 (SET domain containing 5; plus strand). Cytogenetic location: 3p25.3.
Variant type: single nucleotide variant.
Coding change: c.188C>T on transcript NM_001080517.3 (MANE Select); coding-DNA position 188, C replaced by T.
Protein change: p.Pro63Leu; replaces proline 63 with leucine.
Molecular consequence: missense variant. On other transcripts: 5 prime UTR variant (2).
Genome position (GRCh38, 1-based): chr3:9,434,344, C>T. VCF-style: chr3-9434344-C-T. GRCh37 (hg19) VCF-style: chr3-9476028-C-T.
Other names: c.-146C>T (NM_001292043.2); c.-187C>T (NM_001349451.2); c.245C>T, p.Pro82Leu (NM_001437633.1, NM_001437635.1); c.188C>T, p.Pro63Leu (NM_001437643.1, NM_001437701.1); short protein forms P63L, P82L.
Identifiers: ClinVar variation 4744399 (VCV004744399.1).

ClinVar aggregate classification (germline): Uncertain significance (1 of 4 stars; one submission).

Submission:

Labcorp Genetics (formerly Invitae), Labcorp
Classification: Uncertain significance. Last evaluated: 2025-11-24. Review status: criteria provided, single submitter. Criteria: Invitae Variant Classification Sherloc (09022015). Collection method: clinical testing. Allele origin: germline.
Comment: This sequence change replaces proline, which is neutral and non-polar, with leucine, which is neutral and non-polar, at codon 63 of the SETD5 protein (p.Pro63Leu). This variant is not present in population databases (gnomAD no frequency). This variant has not been reported in the literature in individuals affected with SETD5-related conditions. Invitae Evidence Modeling of protein sequence and biophysical properties (such as structural, functional, and spatial information, amino acid conservation, physicochemical variation, residue mobility, and thermodynamic stability) indicates that this missense variant is not expected to disrupt SETD5 protein function with a negative predictive value of 80%. In summary, the available evidence is currently insufficient to determine the role of this variant in disease. Therefore, it has been classified as a Variant of Uncertain Significance.